The following is an entry in ClinVar:

ClinVar aggregate classification (germline): Likely pathogenic (1 of 4 stars; one submission).

Conditions:
Neuronal ceroid lipofuscinosis 2. Also called: TPP1-Related Neuronal Ceroid-Lipofuscinosis; JANSKY-BIELSCHOWSKY DISEASE NEURONAL CEROID LIPOFUSCINOSIS, LATE INFANTILE. Identifiers: Orphanet 168491, Orphanet 228349, Orphanet 79264, MedGen C1876161, MONDO:0008769, OMIM 204500.

Submission:

Myriad Genetics, Inc.
Classification: Likely pathogenic for Neuronal ceroid lipofuscinosis 2. Last evaluated: 2022-03-14. Review status: criteria provided, single submitter. Criteria: Myriad Women's Health Autosomal Recessive and X-Linked Classification Criteria (2021). Collection method: clinical testing. Allele origin: unknown.
Comment: NM_000391.3(TPP1):c.1199_1200delCA(T400Kfs*2) is expected to be pathogenic in the context of TPP1-related neuronal ceroid lipofuscinosis. This variant is predicted to lead to an abnormal or absent protein product due to the creation of a premature termination codon in TPP1, a gene where loss-of-function variants are known to be pathogenic. Please note: this variant was assessed in the context of healthy population screening.

NM_000391.4(TPP1):c.1199_1200del (p.Thr400fs)

Gene: TPP1 (tripeptidyl peptidase 1; minus strand). Cytogenetic location: 11p15.4.
Variant type: Microsatellite.
Coding change: c.1199_1200del on transcript NM_000391.4 (MANE Select); coding-DNA positions 1199 to 1200, 2 bases deleted (CA; older notation c.1199_1200delCA).
Protein change: p.Thr400fs; shifts the reading frame from threonine 400.
Molecular consequence: frameshift variant.
Genome position (GRCh38, 1-based): chr11:6,615,508-6,615,509, TG deleted on the plus strand (CA on the coding strand, the reverse complement: TPP1 is on the minus strand); deleting any 2 consecutive bases within chr11:6,615,508-6,615,511 gives the same sequence; the c. name uses the placement nearest the transcript's 3' end. VCF-style (leftmost placement, unchanged base first): chr11-6615507-TTG-T. GRCh37 (hg19) VCF-style: chr11-6636738-TTG-T.
Other names: short protein forms T400fs.
Identifiers: ClinVar variation 1725187 (VCV001725187.2), dbSNP rs2493796952, ClinGen allele CA2580615630.